The following is an entry in ClinVar:

NM_006445.4(PRPF8):c.2553-20C>G

Gene: PRPF8 (pre-mRNA processing factor 8; minus strand). Cytogenetic location: 17p13.3.
Variant type: single nucleotide variant.
Coding change: c.2553-20C>G on transcript NM_006445.4 (MANE Select); 20 bases into the intron before coding-DNA position 2553, C replaced by G.
Molecular consequence: intron variant.
Genome position (GRCh38, 1-based): chr17:1,676,074, G>C on the plus strand (C>G on the coding strand, the complement: PRPF8 is on the minus strand). VCF-style: chr17-1676074-G-C. GRCh37 (hg19) VCF-style: chr17-1579368-G-C.
Identifiers: ClinVar variation 4978309 (VCV004978309.1).

ClinVar aggregate classification (germline): Likely benign (1 of 4 stars; one submission).

Conditions:
PRPF8-related disorder. Also called: PRPF8-related condition.

gnomAD v4.1: 6 of 1,612,606 alleles (0.00037%); highest among the groups gnomAD compares: Admixed American, 0.0067%; no homozygotes.

Submission:

PreventionGenetics, part of Exact Sciences
Classification: Likely benign for PRPF8-related condition. Last evaluated: 2025-10-19. Review status: criteria provided, single submitter. Criteria: ACMG Guidelines, 2015. Collection method: clinical testing. Allele origin: germline.
Comment: This variant is classified as likely benign based on ACMG/AMP sequence variant interpretation guidelines (Richards et al. 2015 PMID: 25741868, with internal and published modifications).